The following is an entry in ClinVar:

NM_025114.4(CEP290):c.1514_1515del (p.Glu505fs)

Gene: CEP290 (centrosomal protein 290; minus strand). Cytogenetic location: 12q21.32.
Variant type: Microsatellite.
Coding change: c.1514_1515del on transcript NM_025114.4 (MANE Select); coding-DNA positions 1514 to 1515, 2 bases deleted (AG; older notation c.1514_1515delAG).
Protein change: p.Glu505fs; shifts the reading frame from glutamic acid 505.
Molecular consequence: frameshift variant.
Genome position (GRCh38, 1-based): chr12:88,120,121-88,120,122, CT deleted on the plus strand (AG on the coding strand, the reverse complement: CEP290 is on the minus strand); deleting any 2 consecutive bases within chr12:88,120,121-88,120,126 gives the same sequence; the c. name uses the placement nearest the transcript's 3' end. VCF-style (leftmost placement, unchanged base first): chr12-88120120-GCT-G. GRCh37 (hg19) VCF-style: chr12-88513897-GCT-G.
Other names: c.1514_1515del (NM_025114.3); short protein forms E505fs.
Identifiers: ClinVar variation 930304 (VCV000930304.12), dbSNP rs886043303, ClinGen allele CA2052932159.

ClinVar aggregate classification (germline): Pathogenic. Review status: criteria provided, multiple submitters, no conflicts (2 of 4 stars). 5 submissions from 5 submitters: Pathogenic (5). Last evaluated 2025-07-16.

Conditions:
Joubert syndrome 5 (JBTS5). Identifiers: Orphanet 2318, MedGen C1857780, MONDO:0012432, OMIM 610188.
Leber congenital amaurosis 10 (LCA10). Identifiers: Orphanet 65, MedGen C1857821, MONDO:0012723, OMIM 611755.
Bardet-Biedl syndrome 14 (BBS14). Identifiers: Orphanet 110, MedGen C2673874, MONDO:0014442, OMIM 615991.
Meckel syndrome, type 4 (MKS4). Also called: MECKEL-GRUBER SYNDROME, TYPE 4. Identifiers: Orphanet 564, MedGen C1970161, MONDO:0012626, OMIM 611134.
Senior-Loken syndrome 6 (SLSN6). Identifiers: Orphanet 3156, MedGen C1857779, MONDO:0012433, OMIM 610189.
Meckel-Gruber syndrome. Also called: Dysencephalia splachnocystica; DYSENCEPHALIA SPLANCHNOCYSTICA; GRUBER SYNDROME. Identifiers: Orphanet 564, MedGen C0265215, MONDO:0018921.
Nephronophthisis. Also called: Juvenile Nephronophthisis. Identifiers: Orphanet 655, MedGen C0687120, MONDO:0019005, HP:0000090.
Joubert syndrome. Also called: Familial aplasia of the vermis; CEREBELLOPARENCHYMAL DISORDER IV; JOUBERT-BOLTSHAUSER SYNDROME. Identifiers: Orphanet 475, MedGen C5979921, MONDO:0018772.
Leber congenital amaurosis (LCA). Also called: Leber's amaurosis. Identifiers: Orphanet 65, MedGen C0339527, MeSH D057130, MONDO:0018998.

Submissions (5):

Natera, Inc.
Classification: Pathogenic for Leber congenital amaurosis. Last evaluated: 2025-07-16. Review status: criteria provided, single submitter. Criteria: Natera Variant Classification Schema (03/2026). Collection method: clinical testing. Allele origin: germline.
Comment: The c.1514_1515del variant in CEP290 is a frameshift variant predicted to shift the reading frame beginning at codon 505 and leads to a stop codon 5 codons downstream. This variant is expected to result in nonsense mediated decay, truncation, or a dysfunctional protein product. This variant is rare in the general population with a frequency below the threshold expected for the associated phenotype(s). This variant has been observed in one or more individuals affected with the associated recessive disease, as either homozygous or compound heterozygous with a second variant (PMID: 38219857, 32037395). Given the available evidence, this variant is classified as Pathogenic.

Fulgent Genetics
Classification: Pathogenic for Joubert syndrome 5; Senior-Loken syndrome 6; Meckel syndrome, type 4; Leber congenital amaurosis 10; Bardet-Biedl syndrome 14. Last evaluated: 2024-05-15. Review status: criteria provided, single submitter. Criteria: ACMG Guidelines, 2015. Collection method: clinical testing. Allele origin: germline.

Baylor Genetics
Classification: Pathogenic for Bardet-Biedl syndrome 14. Last evaluated: 2023-07-07. Review status: criteria provided, single submitter. Criteria: ACMG Guidelines, 2015. Collection method: clinical testing. Allele origin: unknown.

Labcorp Genetics (formerly Invitae), Labcorp
Classification: Pathogenic for Joubert syndrome; Meckel-Gruber syndrome; Nephronophthisis. Last evaluated: 2020-10-28. Review status: criteria provided, single submitter. Criteria: Invitae Variant Classification Sherloc (09022015). Collection method: clinical testing. Allele origin: germline.
Comment: For these reasons, this variant has been classified as Pathogenic. This variant has not been reported in the literature in individuals with CEP290-related conditions. ClinVar contains an entry for this variant (Variation ID: 930304). This variant is not present in population databases (ExAC no frequency). This sequence change creates a premature translational stop signal (p.Glu505Alafs*5) in the CEP290 gene. It is expected to result in an absent or disrupted protein product. Loss-of-function variants in CEP290 are known to be pathogenic (PMID: 16909394, 17345604, 20690115, 25377065, 28559085).

Centre for Mendelian Genomics, University Medical Centre Ljubljana
Classification: Pathogenic for Joubert syndrome 5. Last evaluated: 2018-11-08. Review status: criteria provided, single submitter. Criteria: ACMG Guidelines, 2015. Collection method: clinical testing. Allele origin: unknown. Affected: yes.
Comment: This variant was classified as: Pathogenic. The following ACMG criteria were applied in classifying this variant: PVS1,PM1,PM2,PM4.

Literature cited by the submitters: PubMed 38219857 (cited by Natera, Inc.); PubMed 32037395 (cited by Natera, Inc.); PubMed 16909394 (cited by Labcorp Genetics (formerly Invitae), Labcorp); PubMed 17345604 (cited by Labcorp Genetics (formerly Invitae), Labcorp); PubMed 20690115 (cited by Labcorp Genetics (formerly Invitae), Labcorp); PubMed 25377065 (cited by Labcorp Genetics (formerly Invitae), Labcorp); PubMed 28559085 (cited by Labcorp Genetics (formerly Invitae), Labcorp).